The following is an entry in ClinVar:

NM_002691.4(POLD1):c.2693_2696del (p.Gln898fs)

Gene: POLD1 (DNA polymerase delta 1, catalytic subunit; plus strand). Cytogenetic location: 19q13.33.
Variant type: Deletion.
Coding change: c.2693_2696del on transcript NM_002691.4 (MANE Select); coding-DNA positions 2693 to 2696, 4 bases deleted (AGGC; older notation c.2693_2696delAGGC).
Protein change: p.Gln898fs; shifts the reading frame from glutamine 898.
Molecular consequence: frameshift variant. On other transcripts: non-coding transcript variant (1).
Genome position (GRCh38, 1-based): chr19:50,415,566-50,415,569, AGGC deleted; deleting any 4 consecutive bases within chr19:50,415,564-50,415,569 gives the same sequence; the c. name uses the placement nearest the transcript's 3' end. VCF-style (leftmost placement, unchanged base first): chr19-50415563-AGCAG-A. GRCh37 (hg19) VCF-style: chr19-50918820-AGCAG-A.
Other names: c.2693_2696del, p.Gln898fs (NM_001256849.1, NM_001438212.1, NM_001438213.1); c.2771_2774del, p.Gln924fs (NM_001308632.1); c.2621_2624del, p.Gln874fs (NM_001438210.1, NM_001438211.1); short protein forms Q874fs, Q898fs, Q924fs.
Identifiers: ClinVar variation 4862152 (VCV004862152.1).
Genomic context (GRCh38, chr19:50,415,563, plus strand): 5'-ATATCTCCCAGCTGGTCATCACCAAGGAGCTGACCCGCGCGGCCTCCGACTATGCCGGCA[AGCAG>A]GCCCACGTGGAGCTGGCCGAGAGGTCCTGCGCGGGGCGGGTGGCCTGGCCAGAAATAACC-3'

ClinVar aggregate classification (germline): Uncertain significance (1 of 4 stars; one submission).

Conditions:
Hereditary cancer-predisposing syndrome. Also called: Neoplastic Syndromes, Hereditary; Tumor predisposition; Hereditary Cancer Syndrome; Hereditary neoplastic syndrome. Identifiers: Orphanet 140162, MedGen C0027672, MeSH D009386, MONDO:0015356.

Submission:

Ambry Genetics
Classification: Uncertain significance for Hereditary cancer-predisposing syndrome. Last evaluated: 2026-04-01. Review status: criteria provided, single submitter. Criteria: Ambry Variant Classification Scheme 2023. Collection method: clinical testing. Allele origin: germline.
Comment: The c.2693_2696delAGGC variant, located in coding exon 20 of the POLD1 gene, results from a deletion of 4 nucleotides at nucleotide positions 2693 to 2696, causing a translational frameshift with a predicted alternate stop codon (p.Q898Pfs*9). This alteration is expected to result in loss of function by premature protein truncation or nonsense-mediated mRNA decay. However, loss of function has not been established as a mechanism of disease. Based on the available evidence, the clinical significance of this variant remains unclear.